The following is an entry in ClinVar:

ClinVar aggregate classification (germline): Benign. Review status: criteria provided, multiple submitters, no conflicts (2 of 4 stars). 4 submissions from 4 submitters: Benign (4). Last evaluated 2026-02-04.

Conditions:
Cone-rod dystrophy 7 (CORD7). Identifiers: Orphanet 1872, MedGen C1863634, MONDO:0011355, OMIM 603649.

Allele frequency attached by ClinVar (database versions not stated): ExAC 0.02142; TOPMed 0.02450; ESP Exome Variant Server 0.02505; gnomAD exomes 0.02110 and 0.02865; 1000 Genomes Project 0.01138; 1000 Genomes Project 30x 0.01156; gnomAD 0.02135 and 0.02304.
gnomAD v4.1: 45,221 of 1,612,252 alleles (2.8%); highest among the groups gnomAD compares: Non-Finnish European, 3.4%; 741 homozygotes.

Submissions (4):

Labcorp Genetics (formerly Invitae), Labcorp
Classification: Benign. Last evaluated: 2026-02-04. Review status: criteria provided, single submitter. Criteria: Invitae Variant Classification Sherloc (09022015). Collection method: clinical testing. Allele origin: germline.

GeneDx
Classification: Benign. Last evaluated: 2021-05-24. Review status: criteria provided, single submitter. Criteria: GeneDx Variant Classification Process June 2021. Collection method: clinical testing. Allele origin: germline. Affected: yes.

Illumina Laboratory Services, Illumina
Classification: Benign for Cone-rod dystrophy 7. Last evaluated: 2018-01-13. Review status: criteria provided, single submitter. Criteria: ICSL Variant Classification Criteria 13 December 2019. Collection method: clinical testing. Allele origin: germline.
Comment: This variant was observed in the ICSL laboratory as part of a predisposition screen in an ostensibly healthy population. It had not been previously curated by ICSL or reported in the Human Gene Mutation Database (HGMD: prior to June 1st, 2018), and was therefore a candidate for classification through an automated scoring system. Utilizing variant allele frequency, disease prevalence and penetrance estimates, and inheritance mode, an automated score was calculated to assess if this variant is too frequent to cause the disease. Based on the score and internal cut-off values, a variant classified as benign is not then subjected to further curation. The score for this variant resulted in a classification of benign for this disease.

PreventionGenetics, part of Exact Sciences
Classification: Benign. Review status: criteria provided, single submitter. Criteria: ACMG Guidelines, 2015. Collection method: clinical testing. Allele origin: germline.

NM_014989.7(RIMS1):c.3470C>T (p.Pro1157Leu)

Gene: RIMS1 (regulating synaptic membrane exocytosis 1; plus strand). Cytogenetic location: 6q13.
Variant type: single nucleotide variant.
Coding change: c.3470C>T on transcript NM_014989.7 (MANE Select); coding-DNA position 3470, C replaced by T.
Protein change: p.Pro1157Leu; replaces proline 1157 with leucine.
Molecular consequence: missense variant. On other transcripts: intron variant (58).
Genome position (GRCh38, 1-based): chr6:72,274,420, C>T. VCF-style: chr6-72274420-C-T. GRCh37 (hg19) VCF-style: chr6-72984123-C-T.
Other names: c.1697C>T, p.Pro566Leu (NM_001350415.2, NM_001350445.2); c.1700C>T, p.Pro567Leu (NM_001350433.2); c.1634C>T, p.Pro545Leu (NM_001350435.2); c.1628C>T, p.Pro543Leu (NM_001350437.2); c.1559+8371C>T (NM_001350428.2, NM_001350459.2, NM_001350424.2 and 1 more transcripts); c.1556+8371C>T (NM_001350430.2, NM_001350421.2, NM_001350450.2); c.1706+8371C>T (NM_001350458.2); c.1628+8371C>T (NM_001350446.2, NM_001350442.2, NM_001350416.2 and 7 more transcripts); and 20 more; short protein forms P1157L, P543L, P545L, P567L, P566L.
Identifiers: ClinVar variation 260496 (VCV000260496.16), dbSNP rs41265501, ClinGen allele CA3886254.
Genomic context (GRCh38, chr6:72,274,420, plus strand): 5'-CCCCCTCCCTAGATAGGAGACGACCTCCTAGTCCCAGGATTCAAATCCAGCATGCGTCTC[C>T]GGAGAATGACAGGTACTAGTCAACTCCTCCTCACAGACAAGTGGCTTCTAGAAGCTTATA-3'
Protein context (NP_055804.2, residues 1147-1167): SPRIQIQHAS[Pro1157Leu]ENDRHSRKSE